The following is an entry in ClinVar:

NM_001394062.1(MACF1):c.18079A>G (p.Lys6027Glu)

Gene: MACF1 (microtubule actin crosslinking factor 1; plus strand). Cytogenetic location: 1p34.3.
Variant type: single nucleotide variant.
Coding change: c.18079A>G on transcript NM_001394062.1 (MANE Select); coding-DNA position 18079, A replaced by G.
Protein change: p.Lys6027Glu; replaces lysine 6027 with glutamic acid.
Molecular consequence: missense variant.
Genome position (GRCh38, 1-based): chr1:39,437,867, A>G. VCF-style: chr1-39437867-A-G. GRCh37 (hg19) VCF-style: chr1-39903539-A-G.
Other names: c.6157A>G, p.Lys2053Glu (NM_001397473.1); c.11902A>G, p.Lys3968Glu (NM_012090.5); short protein forms K2053E, K3968E, K6027E.
Identifiers: ClinVar variation 3384642 (VCV003384642.1).

ClinVar aggregate classification (germline): Uncertain significance (1 of 4 stars; one submission).

Submission:

GeneDx
Classification: Uncertain significance. Last evaluated: 2024-06-06. Review status: criteria provided, single submitter. Criteria: GeneDx Variant Classification Process June 2021. Collection method: clinical testing. Allele origin: germline. Affected: yes.
Comment: Not observed at significant frequency in large population cohorts (gnomAD); In silico analysis supports that this missense variant has a deleterious effect on protein structure/function; Has not been previously published as pathogenic or benign to our knowledge